The following is an entry in ClinVar:

ClinVar aggregate classification (germline): Likely benign (0 of 4 stars; one submission).

Conditions:
LRP1B-related disorder. Also called: LRP1B-related condition.

Allele frequency attached by ClinVar (database versions not stated): gnomAD 0.00001; gnomAD exomes 0.00001; TOPMed 0.00001.
gnomAD v4.1: 17 of 1,613,410 alleles (0.0011%); highest among the groups gnomAD compares: Non-Finnish European, 0.0014%; no homozygotes.

Submission:

PreventionGenetics, part of Exact Sciences
Classification: Likely benign for LRP1B-related condition. Last evaluated: 2023-11-15. Review status: no assertion criteria provided. Collection method: clinical testing. Allele origin: germline.
Comment: This variant is classified as likely benign based on ACMG/AMP sequence variant interpretation guidelines (Richards et al. 2015 PMID: 25741868, with internal and published modifications).

NM_018557.3(LRP1B):c.7752A>G (p.Leu2584=)

Gene: LRP1B (LDL receptor related protein 1B; minus strand). Cytogenetic location: 2q22.1.
Variant type: single nucleotide variant.
Coding change: c.7752A>G on transcript NM_018557.3 (MANE Select); coding-DNA position 7752, A replaced by G.
Protein change: p.Leu2584=; no amino-acid change (leucine 2584 retained).
Molecular consequence: synonymous variant.
Genome position (GRCh38, 1-based): chr2:140,534,031, T>C on the plus strand (A>G on the coding strand, the complement: LRP1B is on the minus strand). VCF-style: chr2-140534031-T-C. GRCh37 (hg19) VCF-style: chr2-141291600-T-C.
Identifiers: ClinVar variation 3036367 (VCV003036367.2), dbSNP rs888305639, ClinGen allele CA56691435.